The following is an entry in ClinVar:

NM_000368.5(TSC1):c.2834_2841dup (p.Tyr948fs)

Gene: TSC1 (TSC complex subunit 1; minus strand). Cytogenetic location: 9q34.13.
Variant type: Duplication.
Coding change: c.2834_2841dup on transcript NM_000368.5 (MANE Select); coding-DNA positions 2834 to 2841, 8 bases duplicated (AGAGCAGG; older notation c.2834_2841dupAGAGCAGG).
Protein change: p.Tyr948fs; shifts the reading frame from tyrosine 948.
Molecular consequence: frameshift variant. On other transcripts: non-coding transcript variant (5).
Genome position (GRCh38, 1-based): chr9:132,897,318-132,897,325, CCTGCTCT duplicated on the plus strand (AGAGCAGG on the coding strand, the reverse complement: TSC1 is on the minus strand); duplicating any 8 consecutive bases within chr9:132,897,318-132,897,326 gives the same sequence; the c. name uses the placement nearest the transcript's 3' end. VCF-style (leftmost placement, unchanged base first): chr9-132897317-A-ACCTGCTCT. GRCh37 (hg19) VCF-style: chr9-135772704-A-ACCTGCTCT.
Other names: c.2831_2838dup, p.Tyr947fs (NM_001406598.1, NM_001406599.1, NM_001406600.1 and 2 more transcripts); c.2819_2826dup, p.Tyr943fs (NM_001406601.1, NM_001406602.1); c.2816_2823dup, p.Tyr942fs (NM_001406603.1, NM_001406604.1); c.2792_2799dup, p.Tyr934fs (NM_001406605.1, NM_001406606.1, NM_001406607.1); c.2789_2796dup, p.Tyr933fs (NM_001406608.1, NM_001406609.1); c.2681_2688dup, p.Tyr897fs (NM_001406610.1, NM_001162427.2); c.2678_2685dup, p.Tyr896fs (NM_001406611.1, NM_001406612.1); c.2636_2643dup, p.Tyr882fs (NM_001406613.1); and 8 more; short protein forms Y597fs, Y631fs, Y933fs, Y934fs, Y943fs, Y827fs, Y882fs, Y896fs.
Identifiers: ClinVar variation 4733189 (VCV004733189.1).

ClinVar aggregate classification (germline): Pathogenic (1 of 4 stars; one submission).

Conditions:
Tuberous sclerosis 1 (TSC1). Identifiers: Orphanet 805, MedGen C1854465, MONDO:0008612, OMIM 191100.

Submission:

Labcorp Genetics (formerly Invitae), Labcorp
Classification: Pathogenic for Tuberous sclerosis 1. Last evaluated: 2025-12-14. Review status: criteria provided, single submitter. Criteria: Invitae Variant Classification Sherloc (09022015). Collection method: clinical testing. Allele origin: germline.
Comment: This sequence change creates a premature translational stop signal (p.Tyr948Argfs*10) in the TSC1 gene. It is expected to result in an absent or disrupted protein product. Loss-of-function variants in TSC1 are known to be pathogenic (PMID: 10227394, 17304050). This variant is not present in population databases (gnomAD no frequency). This variant has not been reported in the literature in individuals affected with TSC1-related conditions. For these reasons, this variant has been classified as Pathogenic.

Literature cited by the submitters: PubMed 10227394; PubMed 17304050.